The following is an entry in ClinVar:

NM_000222.3(KIT):c.1444G>T (p.Ala482Ser)

Gene: KIT (KIT proto-oncogene, receptor tyrosine kinase; plus strand). Cytogenetic location: 4q12.
Variant type: single nucleotide variant.
Coding change: c.1444G>T on transcript NM_000222.3 (MANE Select); coding-DNA position 1444, G replaced by T.
Protein change: p.Ala482Ser; replaces alanine 482 with serine.
Molecular consequence: missense variant.
Genome position (GRCh38, 1-based): chr4:54,725,954, G>T. VCF-style: chr4-54725954-G-T. GRCh37 (hg19) VCF-style: chr4-55592120-G-T.
Other names: c.1444G>T, p.Ala482Ser (NM_001093772.2, NM_001385285.1, NM_001385286.1); c.1447G>T, p.Ala483Ser (NM_001385284.1, NM_001385288.1, NM_001385290.1 and 1 more transcripts); short protein forms A482S, A483S.
Identifiers: ClinVar variation 858253 (VCV000858253.13), dbSNP rs1060502569, ClinGen allele CA356906409.

ClinVar aggregate classification (germline): Uncertain significance. Review status: criteria provided, multiple submitters, no conflicts (2 of 4 stars). 2 submissions from 2 submitters: Uncertain significance (2). Last evaluated 2025-12-16.

Conditions:
Hereditary cancer-predisposing syndrome. Also called: Neoplastic Syndromes, Hereditary; Tumor predisposition; Hereditary Cancer Syndrome; Hereditary neoplastic syndrome. Identifiers: Orphanet 140162, MedGen C0027672, MeSH D009386, MONDO:0015356.
Gastrointestinal stromal tumor. Also called: Gastrointestinal stromal tumor, somatic; Gastrointestinal stroma tumor. Identifiers: Orphanet 44890, MedGen C0238198, MeSH D046152, MONDO:0011719, OMIM 606764, HP:0100723.

gnomAD v4.1: 1 of 1,614,070 alleles (0.000062%); highest among the groups gnomAD compares: Non-Finnish European, 0.000085%; no homozygotes.

Submissions (2):

Labcorp Genetics (formerly Invitae), Labcorp
Classification: Uncertain significance for Gastrointestinal stromal tumor. Last evaluated: 2025-12-16. Review status: criteria provided, single submitter. Criteria: Invitae Variant Classification Sherloc (09022015). Collection method: clinical testing. Allele origin: germline.
Comment: This sequence change replaces alanine, which is neutral and non-polar, with serine, which is neutral and polar, at codon 482 of the KIT protein (p.Ala482Ser). This variant is not present in population databases (gnomAD no frequency). This variant has not been reported in the literature in individuals affected with KIT-related conditions. ClinVar contains an entry for this variant (Variation ID: 858253). An algorithm developed to predict the effect of missense changes on protein structure and function (PolyPhen-2) suggests that this variant is likely to be tolerated. In summary, the available evidence is currently insufficient to determine the role of this variant in disease. Therefore, it has been classified as a Variant of Uncertain Significance.

Ambry Genetics
Classification: Uncertain significance for Hereditary cancer-predisposing syndrome. Last evaluated: 2025-11-17. Review status: criteria provided, single submitter. Criteria: Ambry Variant Classification Scheme 2023. Collection method: clinical testing. Allele origin: germline.
Comment: The p.A482S variant (also known as c.1444G>T), located in coding exon 9 of the KIT gene, results from a G to T substitution at nucleotide position 1444. The alanine at codon 482 is replaced by serine, an amino acid with similar properties. This amino acid position is conserved. In addition, this alteration is predicted to be tolerated by in silico analysis. Since supporting evidence is limited at this time, the clinical significance of this alteration remains unclear.